The following is an entry in ClinVar:

ClinVar aggregate classification (germline): Benign. Review status: criteria provided, multiple submitters, no conflicts (2 of 4 stars). 2 submissions from 2 submitters: Benign (2). Last evaluated 2018-01-13.

Conditions:
Cataract 14 multiple types. Also called: CATARACT 14, ZONULAR PULVERULENT; CATARACT 14, NUCLEAR PULVERULENT; CATARACT 14, NUCLEAR PULVERULENT AND POSTERIOR POLAR; CATARACT 14, NUCLEAR CORALLIFORM; CATARACT 14, EMBRYONAL NUCLEAR; CATARACT 14, COPPOCK-LIKE. Identifiers: Orphanet 91492, MedGen C1866078, MONDO:0011162, OMIM 601885.

Allele frequency attached by ClinVar (database versions not stated): 1000 Genomes Project 30x 0.00984; gnomAD 0.00810 and 0.00903; 1000 Genomes Project 0.00919; TOPMed 0.01081.

Submissions (2):

Illumina Laboratory Services, Illumina
Classification: Benign for Cataract 14 multiple types. Last evaluated: 2018-01-13. Review status: criteria provided, single submitter. Criteria: ICSL Variant Classification Criteria 13 December 2019. Collection method: clinical testing. Allele origin: germline.
Comment: This variant was observed in the ICSL laboratory as part of a predisposition screen in an ostensibly healthy population. It had not been previously curated by ICSL or reported in the Human Gene Mutation Database (HGMD: prior to June 1st, 2018), and was therefore a candidate for classification through an automated scoring system. Utilizing variant allele frequency, disease prevalence and penetrance estimates, and inheritance mode, an automated score was calculated to assess if this variant is too frequent to cause the disease. Based on the score and internal cut-off values, a variant classified as benign is not then subjected to further curation. The score for this variant resulted in a classification of benign for this disease.

Breakthrough Genomics
Classification: Benign. Review status: criteria provided, single submitter. Criteria: ACMG Guidelines, 2015. Collection method: not provided. Allele origin: germline. Inheritance: Autosomal dominant inheritance. Affected: yes.

NM_021954.4(GJA3):c.*1997G>A

Gene: GJA3 (gap junction protein alpha 3; minus strand). Cytogenetic location: 13q12.11.
Variant type: single nucleotide variant.
Coding change: c.*1997G>A on transcript NM_021954.4 (MANE Select); 1997 bases downstream of the stop codon, G replaced by A.
Molecular consequence: 3 prime UTR variant.
Genome position (GRCh38, 1-based): chr13:20,139,984, C>T on the plus strand (G>A on the coding strand, the complement: GJA3 is on the minus strand). VCF-style: chr13-20139984-C-T. GRCh37 (hg19) VCF-style: chr13-20714123-C-T.
Identifiers: ClinVar variation 311303 (VCV000311303.6), dbSNP rs58325462, ClinGen allele CA10643895.